The following is an entry in ClinVar:

ClinVar aggregate classification (germline): Pathogenic (1 of 4 stars; one submission).

Conditions:
Familial cancer of breast. Also called: BREAST CANCER, FAMILIAL; Hereditary breast cancer; hereditary breast carcinoma. Identifiers: Orphanet 227535, MedGen C0346153, MONDO:0016419, OMIM 114480. Disease mechanism: loss of function.

Submission:

Myriad Genetics, Inc.
Classification: Pathogenic for Familial cancer of breast. Last evaluated: 2024-01-17. Review status: criteria provided, single submitter. Criteria: Myriad Autosomal Dominant, Autosomal Recessive and X-Linked Classification Criteria (2023). Collection method: clinical testing. Allele origin: unknown.
Comment: This variant is considered pathogenic. This variant creates a termination codon and is predicted to result in premature protein truncation.

NM_000051.4(ATM):c.2117C>A (p.Ser706Ter)

Gene: ATM (ATM serine/threonine kinase; plus strand). Cytogenetic location: 11q22.3.
Variant type: single nucleotide variant.
Coding change: c.2117C>A on transcript NM_000051.4 (MANE Select); coding-DNA position 2117, C replaced by A.
Protein change: p.Ser706Ter; replaces serine 706 with a stop codon.
Molecular consequence: nonsense.
Genome position (GRCh38, 1-based): chr11:108,254,032, C>A. VCF-style: chr11-108254032-C-A. GRCh37 (hg19) VCF-style: chr11-108124759-C-A.
Other names: c.2117C>A, p.Ser706Ter (NM_001351834.2); short protein forms S706*.
Identifiers: ClinVar variation 3148465 (VCV003148465.1), dbSNP rs779004090, ClinGen allele CA382537776.